The following is an entry in ClinVar:

ClinVar aggregate classification (germline): Uncertain significance. Review status: criteria provided, multiple submitters, no conflicts (2 of 4 stars). 2 submissions from 2 submitters: Uncertain significance (2). Last evaluated 2025-06-17.

Conditions:
PKD1L1-related disorder. Also called: PKD1L1-related condition.

gnomAD v4.1: 42 of 1,613,366 alleles (0.0026%); highest among the groups gnomAD compares: East Asian, 0.029%; no homozygotes.

Submissions (2):

Labcorp Genetics (formerly Invitae), Labcorp
Classification: Uncertain significance. Last evaluated: 2025-06-17. Review status: criteria provided, single submitter. Criteria: Invitae Variant Classification Sherloc (09022015). Collection method: clinical testing. Allele origin: germline.
Comment: This sequence change replaces alanine, which is neutral and non-polar, with valine, which is neutral and non-polar, at codon 123 of the PKD1L1 protein (p.Ala123Val). This variant is present in population databases (rs370336893, gnomAD 0.04%). This variant has not been reported in the literature in individuals affected with PKD1L1-related conditions. An algorithm developed to predict the effect of missense changes on protein structure and function outputs the following: PolyPhen-2: "Benign". The valine amino acid residue is found in multiple mammalian species, which suggests that this missense change does not adversely affect protein function. In summary, the available evidence is currently insufficient to determine the role of this variant in disease. Therefore, it has been classified as a Variant of Uncertain Significance.

PreventionGenetics, part of Exact Sciences
Classification: Uncertain significance for PKD1L1-related condition. Last evaluated: 2024-12-17. Review status: criteria provided, single submitter. Criteria: ACMG Guidelines, 2015. Collection method: clinical testing. Allele origin: germline.
Comment: The PKD1L1 c.368C>T variant is predicted to result in the amino acid substitution p.Ala123Val. To our knowledge, this variant has not been reported in the literature. This variant is reported in 0.032% of alleles in individuals of African descent in gnomAD. At this time, the clinical significance of this variant is uncertain due to the absence of conclusive functional and genetic evidence.

NM_138295.5(PKD1L1):c.368C>T (p.Ala123Val)

Gene: PKD1L1 (polycystin 1 like 1, transient receptor potential channel interacting; minus strand). Cytogenetic location: 7p12.3.
Variant type: single nucleotide variant.
Coding change: c.368C>T on transcript NM_138295.5 (MANE Select); coding-DNA position 368, C replaced by T.
Protein change: p.Ala123Val; replaces alanine 123 with valine.
Molecular consequence: missense variant.
Genome position (GRCh38, 1-based): chr7:47,936,876, G>A on the plus strand (C>T on the coding strand, the complement: PKD1L1 is on the minus strand). VCF-style: chr7-47936876-G-A. GRCh37 (hg19) VCF-style: chr7-47976473-G-A.
Other names: c.368C>T (NM_138295.3); short protein forms A123V.
Identifiers: ClinVar variation 4698753 (VCV004698753.2).
Genomic context (GRCh38, chr7:47,936,876, plus strand): 5'-GCAATATTTCGCCATGGTACATTGACATACCTATCAGCACTGTTATCACAATCCAGAGGC[G>A]CCTGTGTTTTTTCATTAACAACAGCCTGTGTTTTTTCATTAACAACACTTAACGCTGCTT-3'
Protein context (NP_612152.1, residues 113-133): TQAVVNEKTQ[Ala123Val]PLDCDNSADR